The following is an entry in ClinVar:

ClinVar aggregate classification (germline): Uncertain significance (0 of 4 stars; one submission).

Conditions:
RYR1-related disorder. Also called: RYR1-related condition; RYR1-related disorders. Identifiers: MedGen CN239331.

Submission:

PreventionGenetics, part of Exact Sciences
Classification: Uncertain significance for RYR1-related condition. Last evaluated: 2024-01-30. Review status: no assertion criteria provided. Collection method: clinical testing. Allele origin: germline.
Comment: The RYR1 c.10256_10258delACA variant is predicted to result in an in-frame deletion (p.Asn3419del). To our knowledge, this variant has not been reported in the literature or in a large population database, indicating this variant is rare. At this time, the clinical significance of this variant is uncertain due to the absence of conclusive functional and genetic evidence.

NM_000540.3(RYR1):c.10250ACA[2] (p.Asn3419del)

Gene: RYR1 (ryanodine receptor 1; plus strand). Cytogenetic location: 19q13.2.
Variant type: Microsatellite.
Coding change: c.10250ACA[2] on transcript NM_000540.3 (MANE Select); two copies in a row of the 3-base unit ACA starting at c.10250; the reference has three copies in a row; one copy, 3 bases deleted.
Protein change: p.Asn3419del; deletes asparagine 3419.
Molecular consequence: inframe indel (on NM_000540.2).
Genome position (GRCh38, 1-based): chr19:38,519,451-38,519,453, ACA deleted; deleting any 3 consecutive bases within chr19:38,519,445-38,519,453 gives the same sequence; the position shown is the placement nearest the transcript's 3' end. VCF-style (leftmost placement, unchanged base first): chr19-38519444-GACA-G. GRCh37 (hg19) VCF-style: chr19-39010084-GACA-G.
Other names: c.10250ACA[2], p.Asn3419del (NM_001042723.2); c.10250_10252ACA[2], p.Asn3419del (NM_000540.2); c.10256_10258delACA (NM_000540.2); short protein forms N3419del.
Identifiers: ClinVar variation 3029108 (VCV003029108.2), dbSNP rs1366142908, ClinGen allele CA633066378.